The following is an entry in ClinVar:

NM_000038.6(APC):c.2888_2892del (p.Ser963fs)

Gene: APC (APC regulator of Wnt signaling pathway; plus strand). Cytogenetic location: 5q22.2.
Variant type: Deletion.
Coding change: c.2888_2892del on transcript NM_000038.6 (MANE Select); coding-DNA positions 2888 to 2892, 5 bases deleted (GTTTA; older notation c.2888_2892delGTTTA).
Protein change: p.Ser963fs; shifts the reading frame from serine 963.
Molecular consequence: frameshift variant.
Genome position (GRCh38, 1-based): chr5:112,838,482-112,838,486, GTTTA deleted; deleting any 5 consecutive bases within chr5:112,838,480-112,838,486 gives the same sequence; the c. name uses the placement nearest the transcript's 3' end. VCF-style (leftmost placement, unchanged base first): chr5-112838479-ATAGTT-A. GRCh37 (hg19) VCF-style: chr5-112174176-ATAGTT-A.
Other names: c.2804_2808del, p.Ser935fs (NM_001354899.2); c.2765_2769del, p.Ser922fs (NM_001354900.2); c.2711_2715del, p.Ser904fs (NM_001354901.2); c.2615_2619del, p.Ser872fs (NM_001354902.2); c.2585_2589del, p.Ser862fs (NM_001354903.2); c.2510_2514del, p.Ser837fs (NM_001354904.2); c.2408_2412del, p.Ser803fs (NM_001354905.2); c.2039_2043del, p.Ser680fs (NM_001354906.2); and 17 more; short protein forms S803fs, S872fs, S945fs, S680fs, S935fs, S963fs, S981fs, S862fs.
Identifiers: ClinVar variation 1797239 (VCV001797239.10), dbSNP rs2533456861, ClinGen allele CA2580072814.
Genomic context (GRCh38, chr5:112,838,479, plus strand): 5'-ATTCAAATAGGACATGTTCTATGCCTTATGCCAAATTAGAATACAAGAGATCTTCAAATG[ATAGTT>A]TAAATAGTGTCAGTAGTAGTGATGGTTATGGTAAAAGAGGTCAAATGAAACCCTCGATTG-3'

ClinVar aggregate classification (germline): Pathogenic. Review status: criteria provided, multiple submitters, no conflicts (2 of 4 stars). 4 submissions from 4 submitters: Pathogenic (4). Last evaluated 2025-02-18.

Conditions:
Familial adenomatous polyposis 1 (FAP1). Also called: FAMILIAL ADENOMATOUS POLYPOSIS 1, ATTENUATED; POLYPOSIS, ADENOMATOUS INTESTINAL. Identifiers: MedGen C2713442, MONDO:0021056, OMIM 175100. Disease mechanism: loss of function.
Hereditary cancer-predisposing syndrome. Also called: Tumor predisposition; Hereditary neoplastic syndrome; Hereditary Cancer Syndrome; Neoplastic Syndromes, Hereditary. Identifiers: Orphanet 140162, MedGen C0027672, MeSH D009386, MONDO:0015356.
APC-related disorder. Also called: APC-related condition.

Submissions (4):

PreventionGenetics, part of Exact Sciences
Classification: Pathogenic for APC-related condition. Last evaluated: 2025-02-18. Review status: criteria provided, single submitter. Criteria: ACMG Guidelines, 2015. Collection method: clinical testing. Allele origin: germline.
Comment: The APC c.2888_2892del5 variant is predicted to result in a frameshift and premature protein termination (p.Ser963Lysfs*2). To our knowledge, this variant has not been reported in the literature or in a large population database (gnomAD), indicating this variant is rare. This variant resides in the final exon of the gene and is not expected to result in nonsense-mediated decay. Other frameshift variants that are downstream of this variant in the carboxyl terminus of APC have been found to be disease causing (Brensinger et al. 1998. PubMed ID: 9824584; Miyoshi et al. 1992. PubMed ID: 1316610; Burger et al. 2011. PubMed ID: 22135120). This variant is interpreted as pathogenic in ClinVar. Frameshift variants in APC are expected to be pathogenic. This variant is interpreted as pathogenic.

Myriad Genetics, Inc.
Classification: Pathogenic for Familial adenomatous polyposis 1. Last evaluated: 2023-05-05. Review status: criteria provided, single submitter. Criteria: Myriad Autosomal Dominant, Autosomal Recessive and X-Linked Classification Criteria (2023). Collection method: clinical testing. Allele origin: unknown.
Comment: This variant is considered pathogenic. This variant creates a frameshift predicted to result in premature protein truncation.

Labcorp Genetics (formerly Invitae), Labcorp
Classification: Pathogenic for Familial adenomatous polyposis 1. Last evaluated: 2022-09-25. Review status: criteria provided, single submitter. Criteria: Invitae Variant Classification Sherloc (09022015). Collection method: clinical testing. Allele origin: germline.
Comment: This variant is expected to disrupt the EB1 and HDLG binding sites, which mediate interactions with the cytoskeleton (PMID: 15311282, 17293347). While functional studies have not been performed to directly test the effect on APC protein function, this suggests that disruption of the C-terminal portion of the protein is functionally important. For these reasons, this variant has been classified as Pathogenic. A different truncation (p.Tyr2645Lysfs*14) that lies downstream of this variant has been determined to be pathogenic (PMID: 9824584, 1316610, 27081525, 8381579, 22135120, Invitae). This suggests that deletion of this region of the APC protein is causative of disease. This variant has not been reported in the literature in individuals affected with APC-related conditions. This variant is not present in population databases (gnomAD no frequency). This sequence change creates a premature translational stop signal (p.Ser963Lysfs*2) in the APC gene. While this is not anticipated to result in nonsense mediated decay, it is expected to disrupt the last 1881 amino acid(s) of the APC protein.

Ambry Genetics
Classification: Pathogenic for Hereditary cancer-predisposing syndrome. Last evaluated: 2022-05-03. Review status: criteria provided, single submitter. Criteria: Ambry Variant Classification Scheme 2023. Collection method: clinical testing. Allele origin: germline.
Comment: The c.2888_2892delGTTTA pathogenic mutation, located in coding exon 15 of the APC gene, results from a deletion of 5 nucleotides at nucleotide positions 2888 to 2892, causing a translational frameshift with a predicted alternate stop codon (p.S963Kfs*2). This alteration occurs at the 3' terminus of theAPC gene, is not expected to trigger nonsense-mediated mRNA decay, and impacts the last 1881 amino acids of the protein. However, premature stop codons are typically deleterious in nature and the impacted region is critical for protein function (Ambry internal data). This mutation has been detected in at least one family with familial adenomatous polyposis (FAP) (Ambry internal data). This variant is considered to be rare based on population cohorts in the Genome Aggregation Database (gnomAD). Based on the supporting evidence, this alteration is interpreted as a disease-causing mutation.

Literature cited by the submitters: PubMed 15311282 (cited by Labcorp Genetics (formerly Invitae), Labcorp); PubMed 17293347 (cited by Labcorp Genetics (formerly Invitae), Labcorp); PubMed 9824584 (cited by Labcorp Genetics (formerly Invitae), Labcorp); PubMed 1316610 (cited by Labcorp Genetics (formerly Invitae), Labcorp); PubMed 27081525 (cited by Labcorp Genetics (formerly Invitae), Labcorp); PubMed 8381579 (cited by Labcorp Genetics (formerly Invitae), Labcorp); PubMed 22135120 (cited by Labcorp Genetics (formerly Invitae), Labcorp).